The following is an entry in ClinVar:

ClinVar aggregate classification (germline): Conflicting classifications of pathogenicity. Review status: criteria provided, conflicting classifications (1 of 4 stars). 3 submissions from 3 submitters: Uncertain significance (2); Likely benign (1). Last evaluated 2025-06-03.

Conditions:
POLD1-related polyposis and colorectal cancer syndrome (CRCS10). Also called: Colorectal cancer, susceptibility to, 10; Colorectal cancer 10; COLORECTAL CANCER, SUSCEPTIBILITY TO, ON CHROMOSOME 19q. Identifiers: Orphanet 220460, MedGen C2675481, MONDO:0012953, OMIM 612591.
Hereditary cancer-predisposing syndrome. Also called: Neoplastic Syndromes, Hereditary; Hereditary neoplastic syndrome; Hereditary Cancer Syndrome; Tumor predisposition. Identifiers: Orphanet 140162, MedGen C0027672, MeSH D009386, MONDO:0015356.

Allele frequency attached by ClinVar (database versions not stated): gnomAD exomes below 0.00001; TOPMed below 0.00001.
gnomAD v4.1: 6 of 1,536,716 alleles (0.00039%); highest among the groups gnomAD compares: Non-Finnish European, 0.00052%; no homozygotes.

Submissions (3):

Labcorp Genetics (formerly Invitae), Labcorp
Classification: Uncertain significance for POLD1-related polyposis and colorectal cancer syndrome. Last evaluated: 2025-06-03. Review status: criteria provided, single submitter. Criteria: Invitae Variant Classification Sherloc (09022015). Collection method: clinical testing. Allele origin: germline.
Comment: This sequence change replaces serine, which is neutral and polar, with asparagine, which is neutral and polar, at codon 1020 of the POLD1 protein (p.Ser1020Asn). This variant is not present in population databases (gnomAD no frequency). This variant has not been reported in the literature in individuals affected with POLD1-related conditions. ClinVar contains an entry for this variant (Variation ID: 408000). Invitae Evidence Modeling of protein sequence and biophysical properties (such as structural, functional, and spatial information, amino acid conservation, physicochemical variation, residue mobility, and thermodynamic stability) indicates that this missense variant is not expected to disrupt POLD1 protein function with a negative predictive value of 80%. In summary, the available evidence is currently insufficient to determine the role of this variant in disease. Therefore, it has been classified as a Variant of Uncertain Significance.

Ambry Genetics
Classification: Likely benign for Hereditary cancer-predisposing syndrome. Last evaluated: 2025-02-20. Review status: criteria provided, single submitter. Criteria: Ambry Variant Classification Scheme 2023. Collection method: clinical testing. Allele origin: germline.

GeneDx
Classification: Uncertain significance. Last evaluated: 2023-01-25. Review status: criteria provided, single submitter. Criteria: GeneDx Variant Classification Process June 2021. Collection method: clinical testing. Allele origin: germline.
Comment: Not observed at significant frequency in large population cohorts (gnomAD); In silico analysis supports that this missense variant does not alter protein structure/function; Has not been previously published as pathogenic or benign to our knowledge; This variant is associated with the following publications: (PMID: 19296856)

NM_002691.4(POLD1):c.3059G>A (p.Ser1020Asn)

Gene: POLD1 (DNA polymerase delta 1, catalytic subunit; plus strand). Cytogenetic location: 19q13.33.
Variant type: single nucleotide variant.
Coding change: c.3059G>A on transcript NM_002691.4 (MANE Select); coding-DNA position 3059, G replaced by A.
Protein change: p.Ser1020Asn; replaces serine 1020 with asparagine.
Molecular consequence: missense variant. On other transcripts: non-coding transcript variant (1).
Genome position (GRCh38, 1-based): chr19:50,416,715, G>A. VCF-style: chr19-50416715-G-A. GRCh37 (hg19) VCF-style: chr19-50919972-G-A.
Other names: c.3059G>A, p.Ser1020Asn (NM_001256849.1); c.3137G>A, p.Ser1046Asn (NM_001308632.1); short protein forms S1020N, S1046N.
Identifiers: ClinVar variation 408000 (VCV000408000.17), dbSNP rs1060501819, ClinGen allele CA16616419.